The following is an entry in ClinVar:

NM_003890.3(FCGBP):c.4137C>T (p.Pro1379=)

Gene: FCGBP (Fc gamma binding protein; minus strand). Cytogenetic location: 19q13.2.
Variant type: single nucleotide variant.
Coding change: c.4137C>T on transcript NM_003890.3 (MANE Select); coding-DNA position 4137, C replaced by T.
Protein change: p.Pro1379=; no amino-acid change (proline 1379 retained).
Molecular consequence: synonymous variant.
Identifiers: ClinVar variation 2649862 (VCV002649862.19), dbSNP rs1599893451, ClinGen allele CA9437317.

ClinVar aggregate classification (germline): Likely benign (1 of 4 stars; one submission).

Submission:

CeGaT Center for Human Genetics Tuebingen
Classification: Likely benign. Last evaluated: 2022-09-01. Review status: criteria provided, single submitter. Criteria: CeGaT Center For Human Genetics Tuebingen Variant Classification Criteria Version 2. Collection method: clinical testing. Allele origin: germline. Affected: yes. Observed: 1 variant allele.
Comment: FCGBP: BP4, BP7